The following is an entry in ClinVar:

NM_000016.6(ACADM):c.839C>T (p.Thr280Ile)

Gene: ACADM (acyl-CoA dehydrogenase medium chain; plus strand). Cytogenetic location: 1p31.1.
Variant type: single nucleotide variant.
Coding change: c.839C>T on transcript NM_000016.6 (MANE Select); coding-DNA position 839, C replaced by T.
Protein change: p.Thr280Ile; replaces threonine 280 with isoleucine.
Molecular consequence: missense variant.
Genome position (GRCh38, 1-based): chr1:75,749,549, C>T. VCF-style: chr1-75749549-C-T. GRCh37 (hg19) VCF-style: chr1-76215234-C-T.
Other names: c.851C>T, p.Thr284Ile (NM_001127328.3); c.731C>T, p.Thr244Ile (NM_001286042.2); c.938C>T, p.Thr313Ile (NM_001286043.2); c.272C>T, p.Thr91Ile (NM_001286044.2); short protein forms T284I, T91I, T244I, T280I, T313I.
Identifiers: ClinVar variation 3706271 (VCV003706271.3).

ClinVar aggregate classification (germline): Conflicting classifications of pathogenicity. Review status: criteria provided, conflicting classifications (1 of 4 stars). 2 submissions from 2 submitters: Likely pathogenic (1); Uncertain significance (1). Last evaluated 2025-12-09.

Conditions:
Medium-chain acyl-coenzyme A dehydrogenase deficiency (ACADMD). Also called: MCADD; ACADM DEFICIENCY; Medium chain acyl-CoA dehydrogenase deficiency; CARNITINE DEFICIENCY SECONDARY TO MEDIUM-CHAIN ACYL-CoA DEHYDROGENASE DEFICIENCY; MCADH DEFICIENCY; MCAD Deficiency. Identifiers: Orphanet 42, MedGen C0220710, MONDO:0008721, OMIM 201450.

Submissions (2):

Myriad Genetics, Inc.
Classification: Uncertain significance for Medium-chain acyl-coenzyme A dehydrogenase deficiency. Last evaluated: 2025-12-09. Review status: criteria provided, single submitter. Criteria: Myriad Autosomal Dominant, Autosomal Recessive and X-Linked Classification Criteria (2023). Collection method: clinical testing. Allele origin: unknown.
Comment: NM_000016.4(ACADM):c.839C>T(T280I) is a missense variant classified as a variant of uncertain significance in the context of medium-chain acyl-CoA dehydrogenase deficiency. T280I has not been observed in cases with relevant disease. Relevant functional assessments of this variant are not available in the literature. T280I has not been observed in referenced population frequency databases. In summary, there is insufficient evidence to classify NM_000016.4(ACADM):c.839C>T(T280I) as pathogenic or benign. Please note: this variant was assessed in the context of healthy population screening.

Labcorp Genetics (formerly Invitae), Labcorp
Classification: Likely pathogenic for Medium-chain acyl-coenzyme A dehydrogenase deficiency. Last evaluated: 2025-10-23. Review status: criteria provided, single submitter. Criteria: Invitae Variant Classification Sherloc (09022015). Collection method: clinical testing. Allele origin: germline.
Comment: This sequence change replaces threonine, which is neutral and polar, with isoleucine, which is neutral and non-polar, at codon 280 of the ACADM protein (p.Thr280Ile). This variant is not present in population databases (gnomAD no frequency). This missense change has been observed in individual(s) with clinical features medium chain acyl-CoA dehydrogenase (MCAD) deficiency (internal data). In at least one individual the data is consistent with being in trans (on the opposite chromosome) from a pathogenic variant. ClinVar contains an entry for this variant (Variation ID: 3706271). Invitae Evidence Modeling of protein sequence and biophysical properties (such as structural, functional, and spatial information, amino acid conservation, physicochemical variation, residue mobility, and thermodynamic stability) indicates that this missense variant is expected to disrupt ACADM protein function with a positive predictive value of 80%. In summary, the currently available evidence indicates that the variant is pathogenic, but additional data are needed to prove that conclusively. Therefore, this variant has been classified as Likely Pathogenic.